The following is an entry in ClinVar:

ClinVar aggregate classification (germline): Uncertain significance. Review status: criteria provided, multiple submitters, no conflicts (2 of 4 stars). 3 submissions from 3 submitters: Uncertain significance (3). Last evaluated 2024-02-22.

Conditions:
Microcephaly 1, primary, autosomal recessive (MCPH1). Also called: PREMATURE CHROMOSOME CONDENSATION SYNDROME; PCC SYNDROME; PREMATURE CHROMOSOME CONDENSATION WITH MICROCEPHALY AND MENTAL RETARDATION. Identifiers: Orphanet 2512, MedGen C1855081, MONDO:0009617, OMIM 251200.

Allele frequency attached by ClinVar (database versions not stated): ExAC 0.00003; gnomAD exomes 0.00003.
gnomAD v4.1: 120 of 1,613,182 alleles (0.0074%); highest among the groups gnomAD compares: East Asian, 0.27%; 1 homozygote.

Submissions (4):

Fulgent Genetics
Classification: Uncertain significance for Microcephaly 1, primary, autosomal recessive. Last evaluated: 2024-02-22. Review status: criteria provided, single submitter. Criteria: ACMG Guidelines, 2015. Collection method: clinical testing. Allele origin: germline.

Labcorp Genetics (formerly Invitae), Labcorp
Classification: Uncertain significance. Last evaluated: 2022-05-27. Review status: criteria provided, single submitter. Criteria: Invitae Variant Classification Sherloc (09022015). Collection method: clinical testing. Allele origin: germline.
Comment: This sequence change replaces arginine, which is basic and polar, with serine, which is neutral and polar, at codon 187 of the MCPH1 protein (p.Arg187Ser). This variant is present in population databases (rs776125109, gnomAD 0.04%). This variant has not been reported in the literature in individuals affected with MCPH1-related conditions. ClinVar contains an entry for this variant (Variation ID: 909076). Algorithms developed to predict the effect of missense changes on protein structure and function are either unavailable or do not agree on the potential impact of this missense change (SIFT: "Not Available"; PolyPhen-2: "Benign"; Align-GVGD: "Not Available"). In summary, the available evidence is currently insufficient to determine the role of this variant in disease. Therefore, it has been classified as a Variant of Uncertain Significance.

Illumina Laboratory Services, Illumina
Classification: Uncertain significance for Microcephaly 1, primary, autosomal recessive. Last evaluated: 2018-01-13. Review status: criteria provided, single submitter. Criteria: ICSL Variant Classification Criteria 13 December 2019. Collection method: clinical testing. Allele origin: germline.

Dr. Peter K. Rogan Lab, Western University
No classification provided (evidence only). Condition: Gastric cancer. Review status: no classification provided. Collection method: in vitro. Allele origin: not applicable. Functional consequence: retained intron. Not counted in ClinVar's aggregate classification.

NM_024596.5(MCPH1):c.561G>T (p.Arg187Ser)

Gene: MCPH1 (microcephalin 1; plus strand). Cytogenetic location: 8p23.1.
Variant type: single nucleotide variant.
Coding change: c.561G>T on transcript NM_024596.5 (MANE Select); coding-DNA position 561, G replaced by T.
Protein change: p.Arg187Ser; replaces arginine 187 with serine.
Molecular consequence: missense variant. On other transcripts: non-coding transcript variant (1), intron variant (1).
Genome position (GRCh38, 1-based): chr8:6,439,077, G>T. VCF-style: chr8-6439077-G-T. GRCh37 (hg19) VCF-style: chr8-6296598-G-T.
Other names: c.561G>T, p.Arg187Ser (NM_001172574.2, NM_001322042.2, NM_001363979.1 and 1 more transcripts); c.555G>T, p.Arg185Ser (NM_001322043.2); c.459G>T, p.Arg153Ser (NM_001322045.2); c.436+2915G>T (NM_001172575.2); short protein forms R153S, R185S, R187S.
Identifiers: ClinVar variation 909076 (VCV000909076.9), dbSNP rs776125109, ClinGen allele CA4610282.